The following is an entry in ClinVar:

ClinVar aggregate classification (germline): Uncertain significance (1 of 4 stars; one submission).

Conditions:
Hypertrophic cardiomyopathy. Also called: HYPERTROPHIC MYOCARDIOPATHY. Identifiers: Orphanet 217569, MedGen C0007194, MeSH D002312, MONDO:0005045, HP:0001639.

Submission:

Labcorp Genetics (formerly Invitae), Labcorp
Classification: Uncertain significance for Hypertrophic cardiomyopathy. Last evaluated: 2025-06-06. Review status: criteria provided, single submitter. Criteria: Invitae Variant Classification Sherloc (09022015). Collection method: clinical testing. Allele origin: germline.
Comment: This sequence change falls in intron 17 of the MYBPC3 gene. It does not directly change the encoded amino acid sequence of the MYBPC3 protein. It affects a nucleotide within the consensus splice site. This variant is not present in population databases (gnomAD no frequency). This variant has not been reported in the literature in individuals affected with MYBPC3-related conditions. Variants that disrupt the consensus splice site are a relatively common cause of aberrant splicing (PMID: 17576681, 9536098). Algorithms developed to predict the effect of sequence changes on RNA splicing suggest that this variant may disrupt the consensus splice site. In summary, the available evidence is currently insufficient to determine the role of this variant in disease. Therefore, it has been classified as a Variant of Uncertain Significance.

Literature cited by the submitters: PubMed 17576681; PubMed 9536098.

NM_000256.3(MYBPC3):c.1624+3G>T

Gene: MYBPC3 (myosin binding protein C3; minus strand). Cytogenetic location: 11p11.2.
Variant type: single nucleotide variant.
Coding change: c.1624+3G>T on transcript NM_000256.3 (MANE Select); 3 bases into the intron after coding-DNA position 1624, G replaced by T.
Molecular consequence: intron variant.
Genome position (GRCh38, 1-based): chr11:47,342,575, C>A on the plus strand (G>T on the coding strand, the complement: MYBPC3 is on the minus strand). VCF-style: chr11-47342575-C-A. GRCh37 (hg19) VCF-style: chr11-47364126-C-A.
Identifiers: ClinVar variation 4720864 (VCV004720864.1).